The following is an entry in ClinVar:

ClinVar aggregate classification (germline): Uncertain significance. Review status: criteria provided, multiple submitters, no conflicts (2 of 4 stars). 2 submissions from 2 submitters: Uncertain significance (2). Last evaluated 2026-01-25.

Conditions:
Inborn genetic diseases. Identifiers: MedGen C0950123, MeSH D030342.

Allele frequency attached by ClinVar (database versions not stated): gnomAD 0.00001; ExAC 0.00002; TOPMed 0.00002.
gnomAD v4.1: 91 of 1,613,734 alleles (0.0056%); highest among the groups gnomAD compares: Middle Eastern, 0.016%; no homozygotes.

Submissions (2):

Labcorp Genetics (formerly Invitae), Labcorp
Classification: Uncertain significance. Last evaluated: 2026-01-25. Review status: criteria provided, single submitter. Criteria: Invitae Variant Classification Sherloc (09022015). Collection method: clinical testing. Allele origin: germline.
Comment: This sequence change replaces valine, which is neutral and non-polar, with isoleucine, which is neutral and non-polar, at codon 890 of the CSF2RB protein (p.Val890Ile). This variant is present in population databases (rs756743554, gnomAD 0.01%). This variant has not been reported in the literature in individuals affected with CSF2RB-related conditions. ClinVar contains an entry for this variant (Variation ID: 1949538). An algorithm developed to predict the effect of missense changes on protein structure and function outputs the following: PolyPhen-2: "Benign". The isoleucine amino acid residue is found in multiple mammalian species, which suggests that this missense change does not adversely affect protein function. In summary, the available evidence is currently insufficient to determine the role of this variant in disease. Therefore, it has been classified as a Variant of Uncertain Significance.

Ambry Genetics
Classification: Uncertain significance for Inborn genetic diseases. Last evaluated: 2025-08-20. Review status: criteria provided, single submitter. Criteria: Ambry Variant Classification Scheme 2023. Collection method: clinical testing. Allele origin: germline.

NM_000395.3(CSF2RB):c.2668G>A (p.Val890Ile)

Gene: CSF2RB (colony stimulating factor 2 receptor subunit beta; plus strand). Cytogenetic location: 22q12.3.
Variant type: single nucleotide variant.
Coding change: c.2668G>A on transcript NM_000395.3 (MANE Select); coding-DNA position 2668, G replaced by A.
Protein change: p.Val890Ile; replaces valine 890 with isoleucine.
Molecular consequence: missense variant.
Genome position (GRCh38, 1-based): chr22:36,938,476, G>A. VCF-style: chr22-36938476-G-A. GRCh37 (hg19) VCF-style: chr22-37334518-G-A.
Other names: c.2686G>A, p.Val896Ile (NM_001410827.1); c.2668G>A (NM_000395.2); short protein forms V890I, V896I.
Identifiers: ClinVar variation 1949538 (VCV001949538.6), dbSNP rs756743554, ClinGen allele CA10214173.